The following is an entry in ClinVar:

ClinVar aggregate classification (germline): Uncertain significance (1 of 4 stars; one submission).

Conditions:
Hereditary cancer-predisposing syndrome. Also called: Tumor predisposition; Hereditary Cancer Syndrome; Neoplastic Syndromes, Hereditary; Hereditary neoplastic syndrome. Identifiers: Orphanet 140162, MedGen C0027672, MeSH D009386, MONDO:0015356.

Submission:

Ambry Genetics
Classification: Uncertain significance for Hereditary cancer-predisposing syndrome. Last evaluated: 2026-02-19. Review status: criteria provided, single submitter. Criteria: Ambry Variant Classification Scheme 2023. Collection method: clinical testing. Allele origin: germline.
Comment: The c.4266+2T>C intronic variant results from a T to C substitution two nucleotides after coding exon 29 in the SMARCA4 gene. This nucleotide position is well conserved in available vertebrate species. In silico splice site analysis predicts that this alteration will not have any significant effect on splicing. Variants that disrupt the canonical splice site are expected to cause aberrant splicing, resulting in an abnormal protein or a transcript that is subject to nonsense-mediated mRNA decay; however, +2T>C variants are capable of generating wild-type transcripts in some genomic contexts and should be interpreted with caution (Lin JH et al. Hum Mutat. 2019 10;40:1856-1873). Based on the available evidence, the clinical significance of this variant remains unclear.

NM_001387283.1(SMARCA4):c.4266+2T>C

Gene: SMARCA4 (SWI/SNF related BAF chromatin remodeling complex subunit ATPase 4; plus strand). Cytogenetic location: 19p13.2.
Variant type: single nucleotide variant.
Coding change: c.4266+2T>C on transcript NM_001387283.1 (MANE Plus Clinical); the canonical splice donor site of the intron after coding-DNA position 4266, T replaced by C.
Molecular consequence: splice donor variant. On other transcripts: intron variant (7).
Genome position (GRCh38, 1-based): chr19:11,039,555, T>C. VCF-style: chr19-11039555-T-C. GRCh37 (hg19) VCF-style: chr19-11150231-T-C.
Other names: c.4171-1752T>C (NM_001128844.3, NM_003072.5); c.4266+2T>C (NM_001128849.3); c.4072-1752T>C (NM_001128847.4, NM_001374457.1, NM_001128848.2); c.4167+2T>C (NM_001411150.1); c.4072-1743T>C (NM_001128845.2, NM_001128846.2).
Identifiers: ClinVar variation 484898 (VCV000484898.6), dbSNP rs1555787262, ClinGen allele CA404071980.